The following is an entry in ClinVar:

ClinVar aggregate classification (germline): Uncertain significance (1 of 4 stars; one submission).

Submission:

Labcorp Genetics (formerly Invitae), Labcorp
Classification: Uncertain significance. Last evaluated: 2023-06-27. Review status: criteria provided, single submitter. Criteria: Invitae Variant Classification Sherloc (09022015). Collection method: clinical testing. Allele origin: germline.
Comment: This variant is not present in population databases (gnomAD no frequency). This sequence change replaces threonine, which is neutral and polar, with serine, which is neutral and polar, at codon 1332 of the KIF14 protein (p.Thr1332Ser). This variant has not been reported in the literature in individuals affected with KIF14-related conditions. In summary, the available evidence is currently insufficient to determine the role of this variant in disease. Therefore, it has been classified as a Variant of Uncertain Significance. Algorithms developed to predict the effect of missense changes on protein structure and function output the following: SIFT: "Not Available"; PolyPhen-2: "Benign"; Align-GVGD: "Not Available". The serine amino acid residue is found in multiple mammalian species, which suggests that this missense change does not adversely affect protein function.

NM_014875.3(KIF14):c.3994A>T (p.Thr1332Ser)

Gene: KIF14 (kinesin family member 14; minus strand). Cytogenetic location: 1q32.1.
Variant type: single nucleotide variant.
Coding change: c.3994A>T on transcript NM_014875.3 (MANE Select); coding-DNA position 3994, A replaced by T.
Protein change: p.Thr1332Ser; replaces threonine 1332 with serine.
Molecular consequence: missense variant.
Genome position (GRCh38, 1-based): chr1:200,565,146, T>A on the plus strand (A>T on the coding strand, the complement: KIF14 is on the minus strand). VCF-style: chr1-200565146-T-A. GRCh37 (hg19) VCF-style: chr1-200534274-T-A.
Other names: c.2521A>T, p.Thr841Ser (NM_001305792.1); short protein forms T841S, T1332S.
Identifiers: ClinVar variation 2730367 (VCV002730367.3), dbSNP rs2527310487, ClinGen allele CA344121561.